The following is an entry in ClinVar:

NM_006017.3(PROM1):c.2257T>C (p.Tyr753His)

Gene: PROM1 (prominin 1; minus strand). Cytogenetic location: 4p15.32.
Variant type: single nucleotide variant.
Coding change: c.2257T>C on transcript NM_006017.3 (MANE Select); coding-DNA position 2257, T replaced by C.
Protein change: p.Tyr753His; replaces tyrosine 753 with histidine.
Molecular consequence: missense variant.
Genome position (GRCh38, 1-based): chr4:15,985,783, A>G on the plus strand (T>C on the coding strand, the complement: PROM1 is on the minus strand). VCF-style: chr4-15985783-A-G. GRCh37 (hg19) VCF-style: chr4-15987406-A-G.
Other names: c.2230T>C, p.Tyr744His (NM_001371406.1, NM_001371407.1, NM_001371408.1 and 4 more transcripts); c.2257T>C, p.Tyr753His (NM_001145849.2, NM_001145850.2); short protein forms Y744H, Y753H.
Identifiers: ClinVar variation 3639550 (VCV003639550.2).
Genomic context (GRCh38, chr4:15,985,783, plus strand): 5'-GACCCCCCTTAACATTCATAAAAGATAAACTACTTACAGAGAACTCGATCCACTGCAGAT[A>G]ATGTTCAAAATATCCTATTATTGTTCTCCCATACTTCTTAGTTTCCTGGAAAGAAACAAA-3'
Protein context (NP_006008.1, residues 743-763): GRTIIGYFEH[Tyr753His]LQWIEFSISE

ClinVar aggregate classification (germline): Uncertain significance (1 of 4 stars; one submission).

Submission:

Labcorp Genetics (formerly Invitae), Labcorp
Classification: Uncertain significance. Last evaluated: 2024-02-07. Review status: criteria provided, single submitter. Criteria: Invitae Variant Classification Sherloc (09022015). Collection method: clinical testing. Allele origin: germline.
Comment: This sequence change replaces tyrosine, which is neutral and polar, with histidine, which is basic and polar, at codon 753 of the PROM1 protein (p.Tyr753His). This variant is not present in population databases (gnomAD no frequency). This variant has not been reported in the literature in individuals affected with PROM1-related conditions. Advanced modeling of protein sequence and biophysical properties (such as structural, functional, and spatial information, amino acid conservation, physicochemical variation, residue mobility, and thermodynamic stability) performed at Invitae indicates that this missense variant is expected to disrupt PROM1 protein function with a positive predictive value of 80%. In summary, the available evidence is currently insufficient to determine the role of this variant in disease. Therefore, it has been classified as a Variant of Uncertain Significance.